The following is an entry in ClinVar:

NM_145290.4(ADGRA3):c.1716G>A (p.Ser572=)

Gene: ADGRA3 (adhesion G protein-coupled receptor A3; minus strand). Cytogenetic location: 4p15.2.
Variant type: single nucleotide variant.
Coding change: c.1716G>A on transcript NM_145290.4 (MANE Select); coding-DNA position 1716, G replaced by A.
Protein change: p.Ser572=; no amino-acid change (serine 572 retained).
Molecular consequence: synonymous variant.
Genome position (GRCh38, 1-based): chr4:22,420,979, C>T on the plus strand (G>A on the coding strand, the complement: ADGRA3 is on the minus strand). VCF-style: chr4-22420979-C-T. GRCh37 (hg19) VCF-style: chr4-22422602-C-T.
Other names: c.1716G>A (NM_145290.3).
Identifiers: ClinVar variation 1131481 (VCV001131481.11), dbSNP rs181844424, ClinGen allele CA2873859.
Genomic context (GRCh38, chr4:22,420,979, plus strand): 5'-ATTGCACTTAAAGCTCAGCTGCTTATCCAGGTTTCCCTCTGGATCCCGCCTCCCATAATC[C>T]GAAAGTCCTGTACGATCAGAGGCTGCCACTTTCTGGAACACGGTACAGGTCATCCCCGTG-3'
Protein context (NP_660333.2, residues 562-582): KVAASDRTGL[Ser572=]DYGRRDPEGN

ClinVar aggregate classification (germline): Likely benign. Review status: criteria provided, single submitter (1 of 4 stars). 2 submissions from 2 submitters: Likely benign (1). 1 of the submissions does not count toward it. Last evaluated 2024-04-02.

Conditions:
ADGRA3-related disorder. Also called: ADGRA3-related condition.

Allele frequency attached by ClinVar (database versions not stated): gnomAD exomes 0.00002 and 0.00003; ExAC 0.00005; gnomAD 0.00006; TOPMed 0.00011; 1000 Genomes Project 0.00020; 1000 Genomes Project 30x 0.00031.
gnomAD v4.1: 61 of 1,614,014 alleles (0.0038%); highest among the groups gnomAD compares: African/African-American, 0.012%; no homozygotes.

Submissions (2):

Labcorp Genetics (formerly Invitae), Labcorp
Classification: Likely benign. Last evaluated: 2024-04-02. Review status: criteria provided, single submitter. Criteria: Invitae Variant Classification Sherloc (09022015). Collection method: clinical testing. Allele origin: germline.

PreventionGenetics, part of Exact Sciences
Classification: Likely benign for ADGRA3-related condition. Last evaluated: 2019-11-01. Review status: no assertion criteria provided. Collection method: clinical testing. Allele origin: germline. Not counted in ClinVar's aggregate classification.
Comment: This variant is classified as likely benign based on ACMG/AMP sequence variant interpretation guidelines (Richards et al. 2015 PMID: 25741868, with internal and published modifications).